The following is an entry in ClinVar:

ClinVar aggregate classification (germline): Pathogenic (1 of 4 stars; one submission).

Conditions:
Mucopolysaccharidosis type 1. Also called: IDUA deficiency; MPS I; Mucopolysaccharidosis Type I. Identifiers: Orphanet 579, MedGen C0023786, MONDO:0001586.

Submission:

Myriad Genetics, Inc.
Classification: Pathogenic for Mucopolysaccharidosis type 1. Last evaluated: 2023-08-23. Review status: criteria provided, single submitter. Criteria: Myriad Autosomal Dominant, Autosomal Recessive and X-Linked Classification Criteria (2023). Collection method: clinical testing. Allele origin: unknown.
Comment: NM_000203.3(IDUA):c.1472_1473ins13(R492Lfs*21) is expected to be pathogenic in the context of mucopolysaccharidosis type I. This variant is predicted to lead to an abnormal or absent protein product due to the creation of a premature termination codon in IDUA, a gene where loss-of-function variants are known to be pathogenic. Please note: this variant was assessed in the context of healthy population screening.

NM_000203.5(IDUA):c.1472_1473insACTGTCTCTTATA (p.Arg492fs)

Gene: IDUA (alpha-L-iduronidase; plus strand). Cytogenetic location: 4p16.3.
Variant type: Insertion.
Coding change: c.1472_1473insACTGTCTCTTATA on transcript NM_000203.5 (MANE Select); coding-DNA positions 1472 to 1473, ACTGTCTCTTATA inserted.
Protein change: p.Arg492fs; shifts the reading frame from arginine 492.
Molecular consequence: frameshift variant. On other transcripts: non-coding transcript variant (1).
Genome position: GRCh38 VCF-style: chr4-1003105-G-GACTGTCTCTTATA. GRCh37 (hg19) VCF-style: chr4-996893-G-GACTGTCTCTTATA.
Other names: c.1076_1077insACTGTCTCTTATA, p.Arg360fs (NM_001363576.1); short protein forms R360fs, R492fs.
Identifiers: ClinVar variation 5011467 (VCV005011467.1).